The following is an entry in ClinVar:

NM_004725.4(BUB3):c.632G>A (p.Ser211Asn)

Gene: BUB3 (BUB3 mitotic checkpoint protein; plus strand). Cytogenetic location: 10q26.13.
Variant type: single nucleotide variant.
Coding change: c.632G>A on transcript NM_004725.4 (MANE Select); coding-DNA position 632, G replaced by A.
Protein change: p.Ser211Asn; replaces serine 211 with asparagine.
Molecular consequence: missense variant.
Genome position (GRCh38, 1-based): chr10:123,162,291, G>A. VCF-style: chr10-123162291-G-A. GRCh37 (hg19) VCF-style: chr10-124921807-G-A.
Other names: c.632G>A, p.Ser211Asn (NM_001007793.3); short protein forms S211N.
Identifiers: ClinVar variation 2448133 (VCV002448133.2), dbSNP rs2493765869, ClinGen allele CA378626535.

ClinVar aggregate classification (germline): Uncertain significance (1 of 4 stars; one submission).

Submission:

Ambry Genetics
Classification: Uncertain significance. Last evaluated: 2022-11-17. Review status: criteria provided, single submitter. Criteria: Ambry Variant Classification Scheme 2023. Collection method: clinical testing. Allele origin: germline.
Comment: The p.S211N variant (also known as c.632G>A), located in coding exon 5 of the BUB3 gene, results from a G to A substitution at nucleotide position 632. The serine at codon 211 is replaced by asparagine, an amino acid with highly similar properties. This amino acid position is conserved. In addition, this alteration is predicted to be tolerated by in silico analysis. Since supporting evidence is limited at this time, the clinical significance of this alteration remains unclear.